The following is an entry in ClinVar:

NM_206933.4(USH2A):c.1355T>A (p.Val452Asp)

Gene: USH2A (usherin; minus strand). Cytogenetic location: 1q41.
Variant type: single nucleotide variant.
Coding change: c.1355T>A on transcript NM_206933.4 (MANE Select); coding-DNA position 1355, T replaced by A.
Protein change: p.Val452Asp; replaces valine 452 with aspartic acid.
Molecular consequence: missense variant.
Genome position (GRCh38, 1-based): chr1:216,323,669, A>T on the plus strand (T>A on the coding strand, the complement: USH2A is on the minus strand). VCF-style: chr1-216323669-A-T. GRCh37 (hg19) VCF-style: chr1-216497011-A-T.
Other names: c.1355T>A, p.Val452Asp (NM_007123.6); short protein forms V452D.
Identifiers: ClinVar variation 1052120 (VCV001052120.9), dbSNP rs1393756456, ClinGen allele CA344910359.
Genomic context (GRCh38, chr1:216,323,669, plus strand): 5'-TTATAGAAGTTATTGTATCCAGGACGATAATTTGGTCCAGGTGTCAGGATGCTAAATGTG[A>T]CATTGCCACGGGAATATGGAGTAAAACTGTTAATGAAAGAAATTCGATGTCATGAAAATC-3'
Protein context (NP_996816.3, residues 442-462): SNFTPYSRGN[Val452Asp]TFSILTPGPN

ClinVar aggregate classification (germline): Uncertain significance (1 of 4 stars; one submission).

Allele frequency attached by ClinVar (database versions not stated): gnomAD exomes below 0.00001; TOPMed 0.00001.
gnomAD v4.1: 1 of 1,613,550 alleles (0.000062%); highest among the groups gnomAD compares: African/African-American, 0.0013%; no homozygotes.

Submission:

Labcorp Genetics (formerly Invitae), Labcorp
Classification: Uncertain significance. Last evaluated: 2024-10-16. Review status: criteria provided, single submitter. Criteria: Invitae Variant Classification Sherloc (09022015). Collection method: clinical testing. Allele origin: germline.
Comment: This sequence change replaces valine, which is neutral and non-polar, with aspartic acid, which is acidic and polar, at codon 452 of the USH2A protein (p.Val452Asp). This variant is not present in population databases (gnomAD no frequency). This variant has not been reported in the literature in individuals affected with USH2A-related conditions. ClinVar contains an entry for this variant (Variation ID: 1052120). Invitae Evidence Modeling of protein sequence and biophysical properties (such as structural, functional, and spatial information, amino acid conservation, physicochemical variation, residue mobility, and thermodynamic stability) has been performed for this missense variant. However, the output from this modeling did not meet the statistical confidence thresholds required to predict the impact of this variant on USH2A protein function. In summary, the available evidence is currently insufficient to determine the role of this variant in disease. Therefore, it has been classified as a Variant of Uncertain Significance.